The following is an entry in ClinVar:

NM_000548.5(TSC2):c.2640-65C>T

Gene: TSC2 (TSC complex subunit 2; plus strand). Cytogenetic location: 16p13.3.
Variant type: single nucleotide variant.
Coding change: c.2640-65C>T on transcript NM_000548.5 (MANE Select); 65 bases into the intron before coding-DNA position 2640, C replaced by T.
Molecular consequence: intron variant.
Genome position (GRCh38, 1-based): chr16:2,076,003, C>T. VCF-style: chr16-2076003-C-T. GRCh37 (hg19) VCF-style: chr16-2126004-C-T.
Other names: c.2640-65C>T (NM_001114382.3, NM_021055.3, NM_001370405.1 and 3 more transcripts); c.2529-65C>T (NM_001318827.2); c.2040-65C>T (NM_001318831.2); c.2493-65C>T (NM_001318829.2); c.2673-65C>T (NM_001318832.2).
Identifiers: ClinVar variation 673263 (VCV000673263.1), dbSNP rs138967036, ClinGen allele CA276741637.

ClinVar aggregate classification (germline): Likely benign (1 of 4 stars; one submission).

Allele frequency attached by ClinVar (database versions not stated): gnomAD exomes 0.00039; 1000 Genomes Project 30x 0.00359; 1000 Genomes Project 0.00419; gnomAD 0.00423 and 0.00463; TOPMed 0.00467.
gnomAD v4.1: 1,246 of 1,612,790 alleles (0.077%); highest among the groups gnomAD compares: African/African-American, 1.5%; 11 homozygotes.

Submission:

GeneDx
Classification: Likely benign. Last evaluated: 2018-06-14. Review status: criteria provided, single submitter. Criteria: GeneDx Variant Classification (06012015). Collection method: clinical testing. Allele origin: germline. Affected: yes.
Comment: This variant is considered likely benign or benign based on one or more of the following criteria: it is a conservative change, it occurs at a poorly conserved position in the protein, it is predicted to be benign by multiple in silico algorithms, and/or has population frequency not consistent with disease.